The following is an entry in ClinVar:

ClinVar aggregate classification (germline): Benign/Likely benign. Review status: criteria provided, multiple submitters, no conflicts (2 of 4 stars). 6 submissions from 6 submitters: Benign (2); Likely benign (2). 2 of the submissions do not count toward it. Last evaluated 2026-01-28.

Conditions:
MCCC1-related disorder. Also called: MCCC1-related condition.
Methylcrotonyl-CoA carboxylase deficiency. Also called: Deficiency of methylcrotonoyl-CoA carboxylase; 3 Methylcrotonylglycinuria; 3-MCC Deficiency. Identifiers: Orphanet 6, MedGen C4551505, MONDO:0018950.
3-methylcrotonyl-CoA carboxylase 1 deficiency (MCC1D). Also called: MCCD TYPE 1; METHYLCROTONYLGLYCINURIA TYPE I; MCC 1 deficiency; 3 Alpha methylcrotonylglycinuria 1. Identifiers: Orphanet 6, MedGen CN028786, MONDO:0008861, OMIM 210200.

Allele frequency attached by ClinVar (database versions not stated): gnomAD exomes 0.00068 and 0.00195; ExAC 0.00218; 1000 Genomes Project 30x 0.00578; 1000 Genomes Project 0.00619; gnomAD 0.00748 and 0.00817; TOPMed 0.00818; ESP Exome Variant Server 0.00930.
gnomAD v4.1: 2,183 of 1,614,028 alleles (0.14%); highest among the groups gnomAD compares: African/African-American, 2.6%; 25 homozygotes.

Submissions (6):

Labcorp Genetics (formerly Invitae), Labcorp
Classification: Benign for 3-methylcrotonyl-CoA carboxylase 1 deficiency. Last evaluated: 2026-01-28. Review status: criteria provided, single submitter. Criteria: Invitae Variant Classification Sherloc (09022015). Collection method: clinical testing. Allele origin: germline.

Illumina Laboratory Services, Illumina
Classification: Likely benign for 3-methylcrotonyl-CoA carboxylase 1 deficiency. Last evaluated: 2018-01-13. Review status: criteria provided, single submitter. Criteria: ICSL Variant Classification Criteria 13 December 2019. Collection method: clinical testing. Allele origin: germline.
Comment: This variant was observed in the ICSL laboratory as part of a predisposition screen in an ostensibly healthy population. It had not been previously curated by ICSL or reported in the Human Gene Mutation Database (HGMD: prior to June 1st, 2018), and was therefore a candidate for classification through an automated scoring system. Utilizing variant allele frequency, disease prevalence and penetrance estimates, and inheritance mode, an automated score was calculated to assess if this variant is too frequent to cause the disease. Based on the score and internal cut-off values, a variant classified as likely benign is not then subjected to further curation. The score for this variant resulted in a classification of likely benign for this disease.

GeneDx
Classification: Benign. Last evaluated: 2017-12-26. Review status: criteria provided, single submitter. Criteria: GeneDx Variant Classification (06012015). Collection method: clinical testing. Allele origin: germline. Affected: yes.
Comment: This variant is considered likely benign or benign based on one or more of the following criteria: it is a conservative change, it occurs at a poorly conserved position in the protein, it is predicted to be benign by multiple in silico algorithms, and/or has population frequency not consistent with disease.

Breakthrough Genomics
Classification: Likely benign. Review status: criteria provided, single submitter. Criteria: ACMG Guidelines, 2015. Collection method: not provided. Allele origin: germline. Inheritance: Autosomal recessive inheritance. Affected: yes.

PreventionGenetics, part of Exact Sciences
Classification: Benign for MCCC1-related condition. Last evaluated: 2020-10-14. Review status: no assertion criteria provided. Collection method: clinical testing. Allele origin: germline. Not counted in ClinVar's aggregate classification.
Comment: This variant is classified as benign based on ACMG/AMP sequence variant interpretation guidelines (Richards et al. 2015 PMID: 25741868, with internal and published modifications).

Natera, Inc.
Classification: Benign for 3-methylcrotonylglycinuria. Last evaluated: 2020-09-16. Review status: no assertion criteria provided. Collection method: clinical testing. Allele origin: germline. Not counted in ClinVar's aggregate classification.

NM_020166.5(MCCC1):c.1499G>A (p.Arg500Gln)

Gene: MCCC1 (methylcrotonyl-CoA carboxylase subunit 1; minus strand). Cytogenetic location: 3q27.1.
Variant type: single nucleotide variant.
Coding change: c.1499G>A on transcript NM_020166.5 (MANE Select); coding-DNA position 1499, G replaced by A.
Protein change: p.Arg500Gln; replaces arginine 500 with glutamine.
Molecular consequence: missense variant. On other transcripts: non-coding transcript variant (1).
Genome position (GRCh38, 1-based): chr3:183,037,313, C>T on the plus strand (G>A on the coding strand, the complement: MCCC1 is on the minus strand). VCF-style: chr3-183037313-C-T. GRCh37 (hg19) VCF-style: chr3-182755101-C-T.
Other names: c.1148G>A, p.Arg383Gln (NM_001293273.2); c.1172G>A, p.Arg391Gln (NM_001363880.1); short protein forms R500Q, R391Q, R383Q.
Identifiers: ClinVar variation 344306 (VCV000344306.20), dbSNP rs78726268, ClinGen allele CA2718760.